The following is an entry in ClinVar:

NM_002693.3(POLG):c.856-11C>T

Gene: POLG (DNA polymerase gamma, catalytic subunit; minus strand). Cytogenetic location: 15q26.1.
Variant type: single nucleotide variant.
Coding change: c.856-11C>T on transcript NM_002693.3 (MANE Select); 11 bases into the intron before coding-DNA position 856, C replaced by T.
Molecular consequence: intron variant.
Genome position (GRCh38, 1-based): chr15:89,329,121, G>A on the plus strand (C>T on the coding strand, the complement: POLG is on the minus strand). VCF-style: chr15-89329121-G-A. GRCh37 (hg19) VCF-style: chr15-89872352-G-A.
Other names: c.856-11C>T (NM_001126131.2).
Identifiers: ClinVar variation 378409 (VCV000378409.13), dbSNP rs375058609, ClinGen allele CA7725014.

ClinVar aggregate classification (germline): Benign/Likely benign. Review status: criteria provided, multiple submitters, no conflicts (2 of 4 stars). 3 submissions from 3 submitters: Benign (1); Likely benign (2). Last evaluated 2026-06-18.

Conditions:
Progressive sclerosing poliodystrophy (MTDPS4A). Also called: Alpers-Huttenlocher Syndrome (AHS); ALPERS PROGRESSIVE INFANTILE POLIODYSTROPHY; NEURONAL DEGENERATION OF CHILDHOOD WITH LIVER DISEASE, PROGRESSIVE; Mitochondrial DNA depletion syndrome 4A (Alpers type); Mitochondrial DNA Depletion Syndrome 4A; Alpers Syndrome. Identifiers: Orphanet 726, MedGen C0205710, MONDO:0008758, OMIM 203700.

Allele frequency attached by ClinVar (database versions not stated): gnomAD 0.00001; ExAC 0.00004; gnomAD exomes 0.00003; ESP Exome Variant Server 0.00008; TOPMed 0.00002.
gnomAD v4.1: 100 of 1,608,532 alleles (0.0062%); highest among the groups gnomAD compares: Non-Finnish European, 0.0081%; no homozygotes.

Submissions (3):

Women's Health and Genetics/Laboratory Corporation of America, LabCorp
Classification: Likely benign. Last evaluated: 2026-06-18. Review status: criteria provided, single submitter. Criteria: LabCorp Variant Classification Summary - May 2015. Collection method: clinical testing. Allele origin: germline.
Comment: Variant summary: POLG c.856-11C>T alters a nucleotide located at a position not widely known to affect splicing. Consensus agreement among computation tools predict no significant impact on normal splicing. However, these predictions have yet to be confirmed by functional studies. The variant allele was found at a frequency of 2.9e-05 in 239302 control chromosomes. The available data on variant occurrences in the general population are insufficient to allow any conclusion about variant significance. To our knowledge, no occurrence of c.856-11C>T in individuals affected with POLG-related conditions and no experimental evidence demonstrating its impact on protein function have been reported. ClinVar contains an entry for this variant (Variation ID: 378409). Based on the evidence outlined above, the variant was classified as likely benign.

Labcorp Genetics (formerly Invitae), Labcorp
Classification: Likely benign for Progressive sclerosing poliodystrophy. Last evaluated: 2026-01-26. Review status: criteria provided, single submitter. Criteria: Invitae Variant Classification Sherloc (09022015). Collection method: clinical testing. Allele origin: germline.

GeneDx
Classification: Benign. Last evaluated: 2015-04-08. Review status: criteria provided, single submitter. Criteria: GeneDx Variant Classification (06012015). Collection method: clinical testing. Allele origin: germline. Affected: yes.
Comment: This variant is considered likely benign or benign based on one or more of the following criteria: it is a conservative change, it occurs at a poorly conserved position in the protein, it is predicted to be benign by multiple in silico algorithms, and/or has population frequency not consistent with disease.